The following is an entry in ClinVar:

NM_001386140.1(MTTP):c.1898delinsCTACAGTGGAG (p.Leu633fs)

Gene: MTTP (microsomal triglyceride transfer protein; plus strand). Cytogenetic location: 4q23.
Variant type: Indel.
Coding change: c.1898delinsCTACAGTGGAG on transcript NM_001386140.1 (MANE Select); coding-DNA position 1898, T replaced by CTACAGTGGAG.
Protein change: p.Leu633fs; shifts the reading frame from leucine 633.
Molecular consequence: frameshift variant.
Genome position (GRCh38, 1-based): chr4:99,611,362, T replaced by CTACAGTGGAG. VCF-style: chr4-99611362-T-CTACAGTGGAG. GRCh37 (hg19) VCF-style: chr4-100532519-T-CTACAGTGGAG.
Other names: c.1898delinsCTACAGTGGAG, p.Leu633fs (NM_000253.4); c.1649delinsCTACAGTGGAG, p.Leu550fs (NM_001300785.2); short protein forms L550fs, L633fs.
Identifiers: ClinVar variation 5010880 (VCV005010880.1).

ClinVar aggregate classification (germline): Pathogenic (1 of 4 stars; one submission).

Conditions:
Abetalipoproteinaemia (ABL). Also called: MTP DEFICIENCY; Abetalipoproteinemia; Abetalipoproteinemia neuropathy; Apolipoprotein B deficiency; Congenital betalipoprotein deficiency syndrome. Identifiers: Orphanet 14, MedGen C0000744, MONDO:0008692, OMIM 200100, HP:0008181.

Submission:

Myriad Genetics, Inc.
Classification: Pathogenic for Abetalipoproteinaemia. Last evaluated: 2024-05-14. Review status: criteria provided, single submitter. Criteria: Myriad Autosomal Dominant, Autosomal Recessive and X-Linked Classification Criteria (2023). Collection method: clinical testing. Allele origin: unknown.
Comment: NM_000253.2(MTTP):c.1898del1ins11(L633Pfs*18) is expected to be pathogenic in the context of abetalipoproteinemia. This variant is predicted to lead to an abnormal or absent protein product due to the creation of a premature termination codon in MTTP, a gene where loss-of-function variants are known to be pathogenic. Please note: this variant was assessed in the context of healthy population screening.